The following is an entry in ClinVar:

ClinVar aggregate classification (germline): Uncertain significance (1 of 4 stars; one submission).

Conditions:
Congenital myasthenic syndrome 8. Also called: Myasthenic syndrome, congenital, 8, with pre- and postsynaptic defects; MYASTHENIC SYNDROME, CONGENITAL, DUE TO AGRIN DEFICIENCY. Identifiers: Orphanet 590, MedGen C3808739, MONDO:0014052, OMIM 615120.

Allele frequency attached by ClinVar (database versions not stated): TOPMed 0.00001.
gnomAD v4.1: 7 of 1,612,918 alleles (0.00043%); highest among the groups gnomAD compares: Non-Finnish European, 0.00051%; no homozygotes.

Submission:

Labcorp Genetics (formerly Invitae), Labcorp
Classification: Uncertain significance for Congenital myasthenic syndrome 8. Last evaluated: 2022-07-11. Review status: criteria provided, single submitter. Criteria: Invitae Variant Classification Sherloc (09022015). Collection method: clinical testing. Allele origin: germline.
Comment: This sequence change replaces isoleucine, which is neutral and non-polar, with leucine, which is neutral and non-polar, at codon 141 of the AGRN protein (p.Ile141Leu). In summary, the available evidence is currently insufficient to determine the role of this variant in disease. Therefore, it has been classified as a Variant of Uncertain Significance. Algorithms developed to predict the effect of missense changes on protein structure and function are either unavailable or do not agree on the potential impact of this missense change (SIFT: "Deleterious"; PolyPhen-2: "Benign"; Align-GVGD: "Class C0"). This variant has not been reported in the literature in individuals affected with AGRN-related conditions. This variant is present in population databases (no rsID available, gnomAD 0.0009%).

NM_198576.4(AGRN):c.421A>C (p.Ile141Leu)

Genes: AGRN (agrin; plus strand), LOC126805576 (P300/CBP strongly-dependent group 1 enhancer GRCh37_chr1:956772-957971; plus strand). Cytogenetic location: 1p36.33.
Variant type: single nucleotide variant.
Coding change: c.421A>C on transcript NM_198576.4 (MANE Select); coding-DNA position 421, A replaced by C.
Protein change: p.Ile141Leu; replaces isoleucine 141 with leucine.
Molecular consequence: missense variant.
Genome position (GRCh38, 1-based): chr1:1,022,420, A>C. VCF-style: chr1-1022420-A-C. GRCh37 (hg19) VCF-style: chr1-957800-A-C.
Other names: c.421A>C, p.Ile141Leu (NM_001305275.2); short protein forms I141L.
Identifiers: ClinVar variation 1917926 (VCV001917926.5), dbSNP rs1404084407, ClinGen allele CA337813756.
Genomic context (GRCh38, chr1:1,022,420, plus strand): 5'-CCCCCATACCTGTGGCCAGCCCACAAGAACGAGCTGATGCTCAACTCCAGCCTCATGCGG[A>C]TCACCCTGCGGAACCTGGAGGAGGTGGAGTTCTGTGTGGAAGGTGCGTGGTGGGGGGCTC-3'
Protein context (NP_940978.2, residues 131-151): ELMLNSSLMR[Ile141Leu]TLRNLEEVEF